The following is an entry in ClinVar:

ClinVar aggregate classification (germline): Uncertain significance (1 of 4 stars; one submission).

Submission:

Labcorp Genetics (formerly Invitae), Labcorp
Classification: Uncertain significance. Last evaluated: 2022-08-03. Review status: criteria provided, single submitter. Criteria: Invitae Variant Classification Sherloc (09022015). Collection method: clinical testing. Allele origin: germline.
Comment: In summary, the available evidence is currently insufficient to determine the role of this variant in disease. Therefore, it has been classified as a Variant of Uncertain Significance. This variant has not been reported in the literature in individuals affected with COX15-related conditions. This sequence change replaces methionine, which is neutral and non-polar, with lysine, which is basic and polar, at codon 180 of the COX15 protein (p.Met180Lys). This variant is not present in population databases (gnomAD no frequency). Algorithms developed to predict the effect of missense changes on protein structure and function are either unavailable or do not agree on the potential impact of this missense change (SIFT: "Not Available"; PolyPhen-2: "Benign"; Align-GVGD: "Not Available").

NM_078470.6(COX15):c.539T>A (p.Met180Lys)

Gene: COX15 (cytochrome c oxidase assembly factor COX15; minus strand). Cytogenetic location: 10q24.2.
Variant type: single nucleotide variant.
Coding change: c.539T>A on transcript NM_078470.6 (MANE Select); coding-DNA position 539, T replaced by A.
Protein change: p.Met180Lys; replaces methionine 180 with lysine.
Molecular consequence: missense variant. On other transcripts: initiator codon variant (1), non-coding transcript variant (1).
Genome position (GRCh38, 1-based): chr10:99,727,011, A>T on the plus strand (T>A on the coding strand, the complement: COX15 is on the minus strand). VCF-style: chr10-99727011-A-T. GRCh37 (hg19) VCF-style: chr10-101486768-A-T.
Other names: c.539T>A, p.Met180Lys (NM_001320974.2, NM_001320975.2, NM_001372024.1 and 5 more transcripts); c.2T>A, p.Met1Lys (NM_001320976.2); short protein forms M180K, M1K.
Identifiers: ClinVar variation 1721990 (VCV001721990.6), dbSNP rs2492721536, ClinGen allele CA378087382.